The following is an entry in ClinVar:

ClinVar aggregate classification (germline): Likely benign (1 of 4 stars; one submission).

Conditions:
ABCD3-related disorder. Also called: ABCD3-related condition.

Submission:

PreventionGenetics, part of Exact Sciences
Classification: Likely benign for ABCD3-related condition. Last evaluated: 2026-05-07. Review status: criteria provided, single submitter. Criteria: ACMG Guidelines, 2015. Collection method: clinical testing. Allele origin: germline.
Comment: This variant is classified as likely benign based on ACMG/AMP sequence variant interpretation guidelines (Richards et al. 2015 PMID: 25741868, with internal and published modifications).

NM_002858.4(ABCD3):c.148-8del

Gene: ABCD3 (ATP binding cassette subfamily D member 3; plus strand). Cytogenetic location: 1p21.3.
Variant type: Deletion.
Coding change: c.148-8del on transcript NM_002858.4 (MANE Select); 8 bases into the intron before coding-DNA position 148, one base deleted (T; older notation c.148-8delT).
Molecular consequence: intron variant.
Genome position (GRCh38, 1-based): chr1:94,464,767, T deleted; the last of 8 consecutive T bases (chr1:94,464,760-94,464,767); deleting any one gives the same sequence. VCF-style (leftmost placement, unchanged base first): chr1-94464759-CT-C. GRCh37 (hg19) VCF-style: chr1-94930315-CT-C.
Other names: c.148-8del (NM_001122674.2).
Identifiers: ClinVar variation 4992251 (VCV004992251.1).